The following is an entry in ClinVar:

ClinVar aggregate classification (germline): Pathogenic (1 of 4 stars; one submission).

Conditions:
Proline dehydrogenase deficiency (HYRPRO1). Also called: PROLINE OXIDASE DEFICIENCY; Hyperprolinemia type 1. Identifiers: Orphanet 419, MedGen C0268529, MONDO:0009400, OMIM 239500.

Submission:

Labcorp Genetics (formerly Invitae), Labcorp
Classification: Pathogenic for Proline dehydrogenase deficiency. Last evaluated: 2022-10-25. Review status: criteria provided, single submitter. Criteria: Invitae Variant Classification Sherloc (09022015). Collection method: clinical testing. Allele origin: germline.
Comment: This sequence change creates a premature translational stop signal (p.Gln127*) in the PRODH gene. It is expected to result in an absent or disrupted protein product. Loss-of-function variants in PRODH are known to be pathogenic (PMID: 12525555, 15662599, 19736351). This variant is present in population databases (no rsID available, gnomAD 0.0009%). This variant has not been reported in the literature in individuals affected with PRODH-related conditions. For these reasons, this variant has been classified as Pathogenic.

Literature cited by the submitters: PubMed 12525555; PubMed 15662599; PubMed 19736351.

NM_016335.6(PRODH):c.379C>T (p.Gln127Ter)

Gene: PRODH (proline dehydrogenase 1; minus strand). Cytogenetic location: 22q11.21.
Variant type: single nucleotide variant.
Coding change: c.379C>T on transcript NM_016335.6 (MANE Select); coding-DNA position 379, C replaced by T.
Protein change: p.Gln127Ter; replaces glutamine 127 with a stop codon.
Molecular consequence: nonsense.
Genome position (GRCh38, 1-based): chr22:18,931,093, G>A on the plus strand (C>T on the coding strand, the complement: PRODH is on the minus strand). VCF-style: chr22-18931093-G-A. GRCh37 (hg19) VCF-style: chr22-18918606-G-A.
Other names: c.55C>T, p.Gln19Ter (NM_001195226.2, NM_001368250.2); short protein forms Q127*, Q19*.
Identifiers: ClinVar variation 2134144 (VCV002134144.4), dbSNP rs1347601186, ClinGen allele CA410651915.